The following is an entry in ClinVar:

ClinVar aggregate classification (germline): Uncertain significance (1 of 4 stars; one submission).

Submission:

Labcorp Genetics (formerly Invitae), Labcorp
Classification: Uncertain significance. Last evaluated: 2025-10-20. Review status: criteria provided, single submitter. Criteria: Invitae Variant Classification Sherloc (09022015). Collection method: clinical testing. Allele origin: germline.
Comment: This sequence change replaces glutamic acid, which is acidic and polar, with valine, which is neutral and non-polar, at codon 508 of the TONSL protein (p.Glu508Val). This variant is not present in population databases (gnomAD no frequency). This variant has not been reported in the literature in individuals affected with TONSL-related conditions. ClinVar contains an entry for this variant (Variation ID: 1492833). An algorithm developed to predict the effect of missense changes on protein structure and function (PolyPhen-2) suggests that this variant is likely to be disruptive. In summary, the available evidence is currently insufficient to determine the role of this variant in disease. Therefore, it has been classified as a Variant of Uncertain Significance.

NM_013432.5(TONSL):c.1523A>T (p.Glu508Val)

Genes: TONSL (tonsoku like, DNA repair protein; minus strand), TONSL-AS1 (TONSL antisense RNA 1; plus strand). Cytogenetic location: 8q24.3.
Variant type: single nucleotide variant.
Coding change: c.1523A>T on transcript NM_013432.5 (MANE Select); coding-DNA position 1523, A replaced by T.
Protein change: p.Glu508Val; replaces glutamic acid 508 with valine.
Molecular consequence: missense variant. On other transcripts: non-coding transcript variant (1).
Genome position (GRCh38, 1-based): chr8:144,438,693, T>A on the plus strand (A>T on the coding strand, the complement: TONSL is on the minus strand). VCF-style: chr8-144438693-T-A. GRCh37 (hg19) VCF-style: chr8-145664076-T-A.
Other names: short protein forms E508V.
Identifiers: ClinVar variation 1492833 (VCV001492833.6), dbSNP rs2129664960, ClinGen allele CA372664947.